The following is an entry in ClinVar:

NM_001029883.3(PCARE):c.712A>T (p.Lys238Ter)

Gene: PCARE (photoreceptor cilium actin regulator; minus strand). Cytogenetic location: 2p23.2.
Variant type: single nucleotide variant.
Coding change: c.712A>T on transcript NM_001029883.3 (MANE Select); coding-DNA position 712, A replaced by T.
Protein change: p.Lys238Ter; replaces lysine 238 with a stop codon.
Molecular consequence: nonsense.
Genome position (GRCh38, 1-based): chr2:29,073,550, T>A on the plus strand (A>T on the coding strand, the complement: PCARE is on the minus strand). VCF-style: chr2-29073550-T-A. GRCh37 (hg19) VCF-style: chr2-29296416-T-A.
Other names: short protein forms K238*.
Identifiers: ClinVar variation 191360 (VCV000191360.1), dbSNP rs863223344, ClinGen allele CA279265.
Genomic context (GRCh38, chr2:29,073,550, plus strand): 5'-TTTTCTTCAAAGGCCAAGCCAGATCCTCCCTGACTTCCTGCAGGAGCACTTCTCCATCCT[T>A]GGAGATCTCCCCCAACAGCTGGCTGATCTCCTCAAAGCACAGCAGCAAGAAGCTGACCAT-3'

ClinVar aggregate classification (germline): Pathogenic (1 of 4 stars; one submission).

Conditions:
Retinitis pigmentosa (RP). Identifiers: Orphanet 791, MedGen C0035334, MeSH D012174, MONDO:0019200, OMIM 268000. Inheritance: Autosomal dominant, autosomal recessive and X linked inheritance.

Submission:

Genetics Research Center, University of Social Welfare and Rehabilitation Sciences
Classification: Pathogenic for Retinitis pigmentosa. Last evaluated: 2015-01-01. Review status: criteria provided, single submitter. Criteria: Submitter's publication. Collection method: research. Allele origin: germline. Affected: yes. Observed: 3 variant alleles. Study: Retinitis Pigmentosa.
Comment: Identification of disease-causing mutations in Iranian patients with autosomal recessive retinitis pigmentosa